The following is an entry in ClinVar:

NM_001903.5(CTNNA1):c.90G>T (p.Glu30Asp)

Gene: CTNNA1 (catenin alpha 1; plus strand). Cytogenetic location: 5q31.2.
Variant type: single nucleotide variant.
Coding change: c.90G>T on transcript NM_001903.5 (MANE Select); coding-DNA position 90, G replaced by T.
Protein change: p.Glu30Asp; replaces glutamic acid 30 with aspartic acid.
Molecular consequence: missense variant. On other transcripts: 5 prime UTR variant (2).
Genome position (GRCh38, 1-based): chr5:138,782,014, G>T. VCF-style: chr5-138782014-G-T. GRCh37 (hg19) VCF-style: chr5-138117703-G-T.
Other names: c.90G>T (NM_001903.2); c.90G>T, p.Glu30Asp (NM_001290307.3, NM_001323982.2, NM_001323983.1 and 3 more transcripts); c.-24G>T (NM_001290309.3); c.-117G>T (NM_001290310.3); short protein forms E30D.
Identifiers: ClinVar variation 972628 (VCV000972628.15), dbSNP rs1755165264, ClinGen allele CA361477215.
Genomic context (GRCh38, chr5:138,782,014, plus strand): 5'-CTTCAAGTGGGATCCTAAAAGTCTAGAGATCAGGACTCTGGCAGTTGAGAGACTGTTGGA[G>T]CCTCTTGTTACACAGGTAAGAATCTGAAAACACAAATACATTGTAACATGGTTCTATAGC-3'
Protein context (NP_001894.2, residues 20-40): IRTLAVERLL[Glu30Asp]PLVTQVTTLV

ClinVar aggregate classification (germline): Uncertain significance. Review status: criteria provided, multiple submitters, no conflicts (2 of 4 stars). 4 submissions from 4 submitters: Uncertain significance (4). Last evaluated 2025-06-26.

Conditions:
Hereditary cancer-predisposing syndrome. Also called: Hereditary Cancer Syndrome; Hereditary neoplastic syndrome; Tumor predisposition; Neoplastic Syndromes, Hereditary. Identifiers: Orphanet 140162, MedGen C0027672, MeSH D009386, MONDO:0015356.
Hereditary nonpolyposis colon cancer (HNPCC). Also called: Hereditary nonpolyposis colorectal cancer; Familial nonpolyposis colon cancer; Hereditary Nonpolyposis Colorectal Cancer Syndrome. Identifiers: Orphanet 443909, MedGen C1333990, MONDO:0018630. Disease mechanism: loss of function.

Allele frequency attached by ClinVar (database versions not stated): gnomAD exomes below 0.00001; gnomAD 0.00001.
gnomAD v4.1: 3 of 1,609,076 alleles (0.00019%); highest among the groups gnomAD compares: African/African-American, 0.004%; no homozygotes.

Submissions (4):

Ambry Genetics
Classification: Uncertain significance for Hereditary cancer-predisposing syndrome. Last evaluated: 2025-06-26. Review status: criteria provided, single submitter. Criteria: Ambry Variant Classification Scheme 2023. Collection method: clinical testing. Allele origin: germline.
Comment: The p.E30D variant (also known as c.90G>T), located in coding exon 1 of the CTNNA1 gene, results from a G to T substitution at nucleotide position 90. The glutamic acid at codon 30 is replaced by aspartic acid, an amino acid with highly similar properties. This amino acid position is highly conserved in available vertebrate species. In addition, the in silico prediction for this alteration is inconclusive. Based on the available evidence, the clinical significance of this variant remains unclear.

GeneDx
Classification: Uncertain significance. Last evaluated: 2024-07-12. Review status: criteria provided, single submitter. Criteria: GeneDx Variant Classification Process June 2021. Collection method: clinical testing. Allele origin: germline. Affected: yes.
Comment: Not observed at significant frequency in large population cohorts (gnomAD); In silico analysis supports that this missense variant has a deleterious effect on protein structure/function; Has not been previously published as pathogenic or benign to our knowledge

Labcorp Genetics (formerly Invitae), Labcorp
Classification: Uncertain significance. Last evaluated: 2024-01-04. Review status: criteria provided, single submitter. Criteria: Invitae Variant Classification Sherloc (09022015). Collection method: clinical testing. Allele origin: germline.
Comment: This sequence change replaces glutamic acid, which is acidic and polar, with aspartic acid, which is acidic and polar, at codon 30 of the CTNNA1 protein (p.Glu30Asp). This variant is not present in population databases (gnomAD no frequency). This variant has not been reported in the literature in individuals affected with CTNNA1-related conditions. ClinVar contains an entry for this variant (Variation ID: 972628). Advanced modeling of protein sequence and biophysical properties (such as structural, functional, and spatial information, amino acid conservation, physicochemical variation, residue mobility, and thermodynamic stability) performed at Invitae indicates that this missense variant is not expected to disrupt CTNNA1 protein function with a negative predictive value of 80%. In summary, the available evidence is currently insufficient to determine the role of this variant in disease. Therefore, it has been classified as a Variant of Uncertain Significance.

Department of Pathology and Laboratory Medicine, Sinai Health System
Classification: Uncertain significance for hereditary nonpolyposis colon cancer. Last evaluated: 2021-11-11. Review status: criteria provided, single submitter. Criteria: ACMG Guidelines, 2015. Collection method: clinical testing. Allele origin: germline. Affected: yes.